The following is an entry in ClinVar:

NM_031935.3(HMCN1):c.5092G>A (p.Glu1698Lys)

Gene: HMCN1 (hemicentin 1; plus strand). Cytogenetic location: 1q31.1.
Variant type: single nucleotide variant.
Coding change: c.5092G>A on transcript NM_031935.3 (MANE Select); coding-DNA position 5092, G replaced by A.
Protein change: p.Glu1698Lys; replaces glutamic acid 1698 with lysine.
Molecular consequence: missense variant.
Genome position (GRCh38, 1-based): chr1:186,016,140, G>A. VCF-style: chr1-186016140-G-A. GRCh37 (hg19) VCF-style: chr1-185985272-G-A.
Other names: short protein forms E1698K.
Identifiers: ClinVar variation 1908448 (VCV001908448.5), dbSNP rs764296799, ClinGen allele CA343888378.

ClinVar aggregate classification (germline): Uncertain significance (1 of 4 stars; one submission).

Allele frequency attached by ClinVar (database versions not stated): TOPMed below 0.00001.
gnomAD v4.1: 3 of 1,613,402 alleles (0.00019%); highest among the groups gnomAD compares: South Asian, 0.0011%; no homozygotes.

Submission:

Labcorp Genetics (formerly Invitae), Labcorp
Classification: Uncertain significance. Last evaluated: 2022-08-05. Review status: criteria provided, single submitter. Criteria: Invitae Variant Classification Sherloc (09022015). Collection method: clinical testing. Allele origin: germline.
Comment: In summary, the available evidence is currently insufficient to determine the role of this variant in disease. Therefore, it has been classified as a Variant of Uncertain Significance. Algorithms developed to predict the effect of missense changes on protein structure and function are either unavailable or do not agree on the potential impact of this missense change (SIFT: "Deleterious"; PolyPhen-2: "Probably Damaging"; Align-GVGD: "Class C0"). This variant has not been reported in the literature in individuals affected with HMCN1-related conditions. This variant is present in population databases (no rsID available, gnomAD 0.0009%). This sequence change replaces glutamic acid, which is acidic and polar, with lysine, which is basic and polar, at codon 1698 of the HMCN1 protein (p.Glu1698Lys).